The following is an entry in ClinVar:

ClinVar aggregate classification (germline): Uncertain significance (1 of 4 stars; one submission).

Conditions:
Growth hormone insensitivity with immune dysregulation 1, autosomal recessive. Also called: Laron syndrome with immunodeficiency; GROWTH HORMONE INSENSITIVITY DUE TO POSTRECEPTOR DEFECT; LARON SYNDROME DUE TO POSTRECEPTOR DEFECT; GROWTH HORMONE INSENSITIVITY SYNDROME WITH IMMUNE DYSREGULATION 1, AUTOSOMAL RECESSIVE. Identifiers: Orphanet 220465, MedGen C5435698, MONDO:0100211, OMIM 245590.

Submission:

Labcorp Genetics (formerly Invitae), Labcorp
Classification: Uncertain significance for Growth hormone insensitivity with immune dysregulation 1, autosomal recessive. Last evaluated: 2024-06-30. Review status: criteria provided, single submitter. Criteria: Invitae Variant Classification Sherloc (09022015). Collection method: clinical testing. Allele origin: germline.
Comment: This sequence change replaces leucine, which is neutral and non-polar, with phenylalanine, which is neutral and non-polar, at codon 397 of the STAT5B protein (p.Leu397Phe). This variant is not present in population databases (gnomAD no frequency). This variant has not been reported in the literature in individuals affected with STAT5B-related conditions. Advanced modeling of protein sequence and biophysical properties (such as structural, functional, and spatial information, amino acid conservation, physicochemical variation, residue mobility, and thermodynamic stability) performed at Invitae indicates that this missense variant is expected to disrupt STAT5B protein function with a positive predictive value of 80%. In summary, the available evidence is currently insufficient to determine the role of this variant in disease. Therefore, it has been classified as a Variant of Uncertain Significance.

NM_012448.4(STAT5B):c.1191G>C (p.Leu397Phe)

Gene: STAT5B (signal transducer and activator of transcription 5B; minus strand). Cytogenetic location: 17q21.2.
Variant type: single nucleotide variant.
Coding change: c.1191G>C on transcript NM_012448.4 (MANE Select); coding-DNA position 1191, G replaced by C.
Protein change: p.Leu397Phe; replaces leucine 397 with phenylalanine.
Molecular consequence: missense variant.
Genome position (GRCh38, 1-based): chr17:42,217,443, C>G on the plus strand (G>C on the coding strand, the complement: STAT5B is on the minus strand). VCF-style: chr17-42217443-C-G. GRCh37 (hg19) VCF-style: chr17-40369461-C-G.
Other names: short protein forms L397F.
Identifiers: ClinVar variation 3658298 (VCV003658298.2).